The following is an entry in ClinVar:

ClinVar aggregate classification (germline): Uncertain significance (1 of 4 stars; one submission).

gnomAD v4.1: 1 of 1,592,264 alleles (0.000063%); highest among the groups gnomAD compares: Non-Finnish European, 0.000085%; no homozygotes.

Submission:

GeneDx
Classification: Uncertain significance. Last evaluated: 2025-04-24. Review status: criteria provided, single submitter. Criteria: GeneDx Variant Classification Process June 2021. Collection method: clinical testing. Allele origin: germline. Affected: yes.
Comment: Not observed at significant frequency in large population cohorts (gnomAD); In silico analysis supports that this missense variant has a deleterious effect on protein structure/function; Has not been previously published as pathogenic or benign to our knowledge

NM_001197104.2(KMT2A):c.367G>C (p.Gly123Arg)

Gene: KMT2A (lysine methyltransferase 2A; plus strand). Cytogenetic location: 11q23.3.
Variant type: single nucleotide variant.
Coding change: c.367G>C on transcript NM_001197104.2 (MANE Select); coding-DNA position 367, G replaced by C.
Protein change: p.Gly123Arg; replaces glycine 123 with arginine.
Molecular consequence: missense variant.
Genome position (GRCh38, 1-based): chr11:118,436,879, G>C. VCF-style: chr11-118436879-G-C. GRCh37 (hg19) VCF-style: chr11-118307594-G-C.
Other names: c.367G>C, p.Gly123Arg (NM_001412597.1, NM_005933.4); short protein forms G123R.
Identifiers: ClinVar variation 4527607 (VCV004527607.1).